The following is an entry in ClinVar:

NM_001378454.1(ALMS1):c.10715A>T (p.Lys3572Ile)

Gene: ALMS1 (ALMS1 centrosome and basal body associated protein; plus strand). Cytogenetic location: 2p13.1.
Variant type: single nucleotide variant.
Coding change: c.10715A>T on transcript NM_001378454.1 (MANE Select); coding-DNA position 10715, A replaced by T.
Protein change: p.Lys3572Ile; replaces lysine 3572 with isoleucine.
Molecular consequence: missense variant.
Genome position (GRCh38, 1-based): chr2:73,572,592, A>T. VCF-style: chr2-73572592-A-T. GRCh37 (hg19) VCF-style: chr2-73799719-A-T.
Other names: c.10718A>T, p.Lys3573Ile (NM_015120.4); short protein forms K3572I, K3573I.
Identifiers: ClinVar variation 4991202 (VCV004991202.1).

ClinVar aggregate classification (germline): Uncertain significance (1 of 4 stars; one submission).

Conditions:
ALMS1-related disorder. Also called: ALMS1-related condition.

Submission:

PreventionGenetics, part of Exact Sciences
Classification: Uncertain significance for ALMS1-related condition. Last evaluated: 2026-04-10. Review status: criteria provided, single submitter. Criteria: ACMG Guidelines, 2015. Collection method: clinical testing. Allele origin: germline.
Comment: The ALMS1 c.10718A>T variant is predicted to result in the amino acid substitution p.Asn3573Ile. To our knowledge, this variant has not been reported in the literature or in a large population database (gnomAD), indicating this variant is rare. At this time, the clinical significance of this variant is uncertain due to the absence of conclusive functional and genetic evidence.